The following is an entry in ClinVar:

ClinVar aggregate classification (germline): Uncertain significance (1 of 4 stars; one submission).

Conditions:
Hereditary cancer-predisposing syndrome. Also called: Neoplastic Syndromes, Hereditary; Tumor predisposition; Hereditary Cancer Syndrome; Hereditary neoplastic syndrome. Identifiers: Orphanet 140162, MedGen C0027672, MeSH D009386, MONDO:0015356.

Submission:

Ambry Genetics
Classification: Uncertain significance for Hereditary cancer-predisposing syndrome. Last evaluated: 2025-12-24. Review status: criteria provided, single submitter. Criteria: Ambry Variant Classification Scheme 2023. Collection method: clinical testing. Allele origin: germline.
Comment: The p.D222G variant (also known as c.665A>G), located in coding exon 3 of the XRCC2 gene, results from an A to G substitution at nucleotide position 665. The aspartic acid at codon 222 is replaced by glycine, an amino acid with similar properties. This amino acid position is conserved. In addition, this alteration is predicted to be tolerated by in silico analysis. Based on the available evidence, the clinical significance of this variant remains unclear.

NM_005431.2(XRCC2):c.665A>G (p.Asp222Gly)

Gene: XRCC2 (X-ray repair cross complementing 2; minus strand). Cytogenetic location: 7q36.1.
Variant type: single nucleotide variant.
Coding change: c.665A>G on transcript NM_005431.2 (MANE Select); coding-DNA position 665, A replaced by G.
Protein change: p.Asp222Gly; replaces aspartic acid 222 with glycine.
Molecular consequence: missense variant.
Genome position (GRCh38, 1-based): chr7:152,648,820, T>C on the plus strand (A>G on the coding strand, the complement: XRCC2 is on the minus strand). VCF-style: chr7-152648820-T-C. GRCh37 (hg19) VCF-style: chr7-152345905-T-C.
Other names: short protein forms D222G.
Identifiers: ClinVar variation 4841420 (VCV004841420.1).
Genomic context (GRCh38, chr7:152,648,820, plus strand): 5'-GAGAAAAACATCCTGTGCTTCACCAGTTGCTGCCATGCCTTACAGAGATAAGGTCTGTAG[T>C]CTATGTCCACATCACACAGTCGTCGAGAGGCATGAGAAGGTTCTTCTGATGAGCTCGAGG-3'
Protein context (NP_005422.1, residues 212-232): ASRRLCDVDI[Asp222Gly]YRPYLCKAWQ